The following is an entry in ClinVar:

NM_001352514.2(HLCS):c.2203A>G (p.Thr735Ala)

Gene: HLCS (holocarboxylase synthetase; minus strand). Cytogenetic location: 21q22.13.
Variant type: single nucleotide variant.
Coding change: c.2203A>G on transcript NM_001352514.2 (MANE Select); coding-DNA position 2203, A replaced by G.
Protein change: p.Thr735Ala; replaces threonine 735 with alanine.
Molecular consequence: missense variant. On other transcripts: non-coding transcript variant (2).
Genome position (GRCh38, 1-based): chr21:36,759,760, T>C on the plus strand (A>G on the coding strand, the complement: HLCS is on the minus strand). VCF-style: chr21-36759760-T-C. GRCh37 (hg19) VCF-style: chr21-38132061-T-C.
Other names: c.1762A>G, p.Thr588Ala (NM_000411.8, NM_001242784.3, NM_001242785.2 and 4 more transcripts); short protein forms T588A, T735A.
Identifiers: ClinVar variation 859660 (VCV000859660.10), dbSNP rs2089755704, ClinGen allele CA409919876.

ClinVar aggregate classification (germline): Uncertain significance (1 of 4 stars; one submission).

Conditions:
Holocarboxylase synthetase deficiency. Also called: MULTIPLE CARBOXYLASE DEFICIENCY, EARLY ONSET. Identifiers: Orphanet 79242, MedGen C0268581, MONDO:0009666, OMIM 253270.

Allele frequency attached by ClinVar (database versions not stated): gnomAD exomes below 0.00001.
gnomAD v4.1: 1 of 1,611,364 alleles (0.000062%); highest among the groups gnomAD compares: South Asian, 0.0011%; no homozygotes.

Submission:

Labcorp Genetics (formerly Invitae), Labcorp
Classification: Uncertain significance for Holocarboxylase synthetase deficiency. Last evaluated: 2019-12-26. Review status: criteria provided, single submitter. Criteria: Invitae Variant Classification Sherloc (09022015). Collection method: clinical testing. Allele origin: germline.
Comment: In summary, the available evidence is currently insufficient to determine the role of this variant in disease. Therefore, it has been classified as a Variant of Uncertain Significance. Algorithms developed to predict the effect of missense changes on protein structure and function are either unavailable or do not agree on the potential impact of this missense change (SIFT: "Tolerated"; PolyPhen-2: "Possibly Damaging"; Align-GVGD: "Class C0"). This variant has not been reported in the literature in individuals with HLCS-related conditions. This variant is not present in population databases (ExAC no frequency). This sequence change replaces threonine with alanine at codon 588 of the HLCS protein (p.Thr588Ala). The threonine residue is moderately conserved and there is a small physicochemical difference between threonine and alanine.